The following is an entry in ClinVar:

ClinVar aggregate classification (germline): Uncertain significance (1 of 4 stars; one submission).

gnomAD v4.1: 1 of 1,613,946 alleles (0.000062%); highest among the groups gnomAD compares: African/African-American, 0.0013%; no homozygotes.

Submission:

Greenwood Genetic Center Diagnostic Laboratories, Greenwood Genetic Center
Classification: Uncertain significance. Last evaluated: 2022-03-14. Review status: criteria provided, single submitter. Criteria: ACMG Guidelines, 2015. Collection method: clinical testing. Allele origin: germline. Affected: yes.
Comment: Gene of Uncertain Clinical Significance

NM_001252102.2(KIF21B):c.3259C>T (p.His1087Tyr)

Gene: KIF21B (kinesin family member 21B; minus strand). Cytogenetic location: 1q32.1.
Variant type: single nucleotide variant.
Coding change: c.3259C>T on transcript NM_001252102.2 (MANE Select); coding-DNA position 3259, C replaced by T.
Protein change: p.His1087Tyr; replaces histidine 1087 with tyrosine.
Molecular consequence: missense variant.
Genome position (GRCh38, 1-based): chr1:200,988,805, G>A on the plus strand (C>T on the coding strand, the complement: KIF21B is on the minus strand). VCF-style: chr1-200988805-G-A. GRCh37 (hg19) VCF-style: chr1-200957933-G-A.
Other names: c.3259C>T, p.His1087Tyr (NM_001252100.2, NM_001252103.2, NM_017596.4); short protein forms H1087Y.
Identifiers: ClinVar variation 1676486 (VCV001676486.3), dbSNP rs759165397, ClinGen allele CA344129584.